The following is an entry in ClinVar:

ClinVar aggregate classification (germline): Uncertain significance. Review status: criteria provided, multiple submitters, no conflicts (2 of 4 stars). 2 submissions from 2 submitters: Uncertain significance (2). Last evaluated 2024-03-29.

Conditions:
Maple syrup urine disease, mild variant (MSUDMV). Identifiers: Orphanet 511, MedGen C3554575, MONDO:0014057, OMIM 615135.

gnomAD v4.1: 1 of 1,614,160 alleles (0.000062%); highest among the groups gnomAD compares: African/African-American, 0.0013%; no homozygotes.

Submissions (2):

Genomic Medicine Center of Excellence, King Faisal Specialist Hospital and Research Centre
Classification: Uncertain significance for Maple syrup urine disease, mild variant. Last evaluated: 2024-03-29. Review status: criteria provided, single submitter. Criteria: ACMG Guidelines, 2015. Collection method: clinical testing. Allele origin: germline.

Labcorp Genetics (formerly Invitae), Labcorp
Classification: Uncertain significance for Maple syrup urine disease, mild variant. Last evaluated: 2023-04-10. Review status: criteria provided, single submitter. Criteria: Invitae Variant Classification Sherloc (09022015). Collection method: clinical testing. Allele origin: germline.
Comment: This variant is not present in population databases (gnomAD no frequency). This variant has not been reported in the literature in individuals affected with PPM1K-related conditions. An algorithm developed to predict the effect of missense changes on protein structure and function (PolyPhen-2) suggests that this variant is likely to be tolerated. In summary, the available evidence is currently insufficient to determine the role of this variant in disease. Therefore, it has been classified as a Variant of Uncertain Significance. This sequence change replaces serine, which is neutral and polar, with threonine, which is neutral and polar, at codon 306 of the PPM1K protein (p.Ser306Thr).

NM_152542.5(PPM1K):c.917G>C (p.Ser306Thr)

Gene: PPM1K (protein phosphatase, Mg2+/Mn2+ dependent 1K; minus strand). Cytogenetic location: 4q22.1.
Variant type: single nucleotide variant.
Coding change: c.917G>C on transcript NM_152542.5 (MANE Select); coding-DNA position 917, G replaced by C.
Protein change: p.Ser306Thr; replaces serine 306 with threonine.
Molecular consequence: missense variant.
Genome position (GRCh38, 1-based): chr4:88,265,071, C>G on the plus strand (G>C on the coding strand, the complement: PPM1K is on the minus strand). VCF-style: chr4-88265071-C-G. GRCh37 (hg19) VCF-style: chr4-89186223-C-G.
Other names: short protein forms S306T.
Identifiers: ClinVar variation 2804195 (VCV002804195.4), dbSNP rs1253918679, ClinGen allele CA357705658.
Genomic context (GRCh38, chr4:88,265,071, plus strand): 5'-ACCGCATGGGCTGCTTCGTTGGGATCATGGCACTGATTGACAAAGTCACAAATCTCTTGA[C>G]TATTCACCATGAAGTTAATTCCATCTGTGGTGAGGACCAGGAAGCTGTCATCAGCATGAT-3'
Protein context (NP_689755.3, residues 296-316): TTDGINFMVN[Ser306Thr]QEICDFVNQC